The following is an entry in ClinVar:

NM_001136157.2(OTUD5):c.1343C>T (p.Pro448Leu)

Gene: OTUD5 (OTU deubiquitinase 5; minus strand). Cytogenetic location: Xp11.23.
Variant type: single nucleotide variant.
Coding change: c.1343C>T on transcript NM_001136157.2 (MANE Select); coding-DNA position 1343, C replaced by T.
Protein change: p.Pro448Leu; replaces proline 448 with leucine.
Molecular consequence: missense variant.
Genome position (GRCh38, 1-based): chrX:48,923,973, G>A on the plus strand (C>T on the coding strand, the complement: OTUD5 is on the minus strand). VCF-style: chrX-48923973-G-A. GRCh37 (hg19) VCF-style: chrX-48781250-G-A.
Other names: c.1343C>T, p.Pro448Leu (NM_001136158.2); c.692C>T, p.Pro231Leu (NM_001136159.2); c.1358C>T, p.Pro453Leu (NM_017602.4); short protein forms P231L, P448L, P453L.
Identifiers: ClinVar variation 2574968 (VCV002574968.1), dbSNP rs2519713131, ClinGen allele CA412906977.

ClinVar aggregate classification (germline): Uncertain significance (1 of 4 stars; one submission).

Allele frequency attached by ClinVar (database versions not stated): gnomAD exomes below 0.00001.
gnomAD v4.1: 1 of 1,209,466 alleles (0.000083%); highest among the groups gnomAD compares: Non-Finnish European, 0.00011%; no homozygotes.

Submission:

GeneDx
Classification: Uncertain significance. Last evaluated: 2023-02-03. Review status: criteria provided, single submitter. Criteria: GeneDx Variant Classification Process June 2021. Collection method: clinical testing. Allele origin: germline. Affected: yes.
Comment: In silico analysis supports that this missense variant has a deleterious effect on protein structure/function; Not observed at significant frequency in large population cohorts (gnomAD); Has not been previously published as pathogenic or benign to our knowledge